The following is an entry in ClinVar:

NM_006031.6(PCNT):c.5535G>A (p.Arg1845=)

Gene: PCNT (pericentrin; plus strand). Cytogenetic location: 21q22.3.
Variant type: single nucleotide variant.
Coding change: c.5535G>A on transcript NM_006031.6 (MANE Select); coding-DNA position 5535, G replaced by A.
Protein change: p.Arg1845=; no amino-acid change (arginine 1845 retained).
Molecular consequence: synonymous variant.
Genome position (GRCh38, 1-based): chr21:46,411,608, G>A. VCF-style: chr21-46411608-G-A. GRCh37 (hg19) VCF-style: chr21-47831522-G-A.
Other names: p.R1845R:AGG>AGA; c.5181G>A, p.Arg1727= (NM_001315529.2).
Identifiers: ClinVar variation 138620 (VCV000138620.19), dbSNP rs61735543, ClinGen allele CA173030.

ClinVar aggregate classification (germline): Benign. Review status: criteria provided, multiple submitters, no conflicts (2 of 4 stars). 6 submissions from 6 submitters: Benign (5). 1 of the submissions does not count toward it. Last evaluated 2026-02-04.

Conditions:
PCNT-related disorder. Also called: PCNT-related condition.
Microcephalic osteodysplastic primordial dwarfism type II (MOPD2). Also called: Microcephalic osteodysplastic primordial dwarfism with tooth abnormalities; OSTEODYSPLASTIC PRIMORDIAL DWARFISM, TYPE II; MOPD II. Identifiers: Orphanet 2637, MedGen C0432246, MONDO:0008872, OMIM 210720.

Allele frequency attached by ClinVar (database versions not stated): gnomAD exomes 0.01835 and 0.03142; ExAC 0.03600; gnomAD 0.06103 and 0.06211; ESP Exome Variant Server 0.06538; TOPMed 0.06570; 1000 Genomes Project 0.08566; 1000 Genomes Project 30x 0.08588.
gnomAD v4.1: 36,653 of 1,613,006 alleles (2.3%); highest among the groups gnomAD compares: African/African-American, 18%; 1,587 homozygotes.

Submissions (6):

Labcorp Genetics (formerly Invitae), Labcorp
Classification: Benign. Last evaluated: 2026-02-04. Review status: criteria provided, single submitter. Criteria: Invitae Variant Classification Sherloc (09022015). Collection method: clinical testing. Allele origin: germline.

Illumina Laboratory Services, Illumina
Classification: Benign for Microcephalic osteodysplastic primordial dwarfism type II. Last evaluated: 2018-01-13. Review status: criteria provided, single submitter. Criteria: ICSL Variant Classification Criteria 13 December 2019. Collection method: clinical testing. Allele origin: germline.
Comment: This variant was observed in the ICSL laboratory as part of a predisposition screen in an ostensibly healthy population. It had not been previously curated by ICSL or reported in the Human Gene Mutation Database (HGMD: prior to June 1st, 2018), and was therefore a candidate for classification through an automated scoring system. Utilizing variant allele frequency, disease prevalence and penetrance estimates, and inheritance mode, an automated score was calculated to assess if this variant is too frequent to cause the disease. Based on the score and internal cut-off values, a variant classified as benign is not then subjected to further curation. The score for this variant resulted in a classification of benign for this disease.

GeneDx
Classification: Benign. Last evaluated: 2014-02-26. Review status: criteria provided, single submitter. Criteria: GeneDx Variant Classification (06012015). Collection method: clinical testing. Allele origin: germline. Affected: yes.
Comment: This variant is considered likely benign or benign based on one or more of the following criteria: it is a conservative change, it occurs at a poorly conserved position in the protein, it is predicted to be benign by multiple in silico algorithms, and/or has population frequency not consistent with disease.

Genetic Services Laboratory, University of Chicago
Classification: Benign. Last evaluated: 2013-02-08. Review status: criteria provided, single submitter. Criteria: ACMG Guidelines, 2007. Collection method: clinical testing. Allele origin: germline. Inheritance: Autosomal recessive inheritance.

Breakthrough Genomics
Classification: Benign. Review status: criteria provided, single submitter. Criteria: ACMG Guidelines, 2015. Collection method: not provided. Allele origin: germline. Inheritance: Autosomal recessive inheritance. Affected: yes.

PreventionGenetics, part of Exact Sciences
Classification: Benign for PCNT-related condition. Last evaluated: 2024-01-24. Review status: no assertion criteria provided. Collection method: clinical testing. Allele origin: germline. Not counted in ClinVar's aggregate classification.
Comment: This variant is classified as benign based on ACMG/AMP sequence variant interpretation guidelines (Richards et al. 2015 PMID: 25741868, with internal and published modifications).